The following is an entry in ClinVar:

ClinVar aggregate classification (germline): Uncertain significance (1 of 4 stars; one submission).

Conditions:
INPP5E-related disorder. Also called: INPP5E-related condition.

Submission:

PreventionGenetics, part of Exact Sciences
Classification: Uncertain significance for INPP5E-related condition. Last evaluated: 2026-07-16. Review status: criteria provided, single submitter. Criteria: ACMG Guidelines, 2015. Collection method: clinical testing. Allele origin: germline.
Comment: The INPP5E c.1690C>T variant is predicted to result in the amino acid substitution p.His564Tyr. To our knowledge, this variant has not been reported in the literature or in a large population database (gnomAD), indicating this variant is rare. At this time, the clinical significance of this variant is uncertain due to the absence of conclusive functional and genetic evidence.

NM_019892.6(INPP5E):c.1690C>T (p.His564Tyr)

Gene: INPP5E (inositol polyphosphate-5-phosphatase E; minus strand). Cytogenetic location: 9q34.3.
Variant type: single nucleotide variant.
Coding change: c.1690C>T on transcript NM_019892.6 (MANE Select); coding-DNA position 1690, C replaced by T.
Protein change: p.His564Tyr; replaces histidine 564 with tyrosine.
Molecular consequence: missense variant.
Genome position (GRCh38, 1-based): chr9:136,430,389, G>A on the plus strand (C>T on the coding strand, the complement: INPP5E is on the minus strand). VCF-style: chr9-136430389-G-A. GRCh37 (hg19) VCF-style: chr9-139324841-G-A.
Other names: c.1687C>T, p.His563Tyr (NM_001318502.2); short protein forms H564Y, H563Y.
Identifiers: ClinVar variation 5001226 (VCV005001226.1).
Genomic context (GRCh38, chr9:136,430,389, plus strand): 5'-GGTCGGACGTCTTGATCCCGGGGCAGGAAGAGTAGCTCACAGGACAGATGTCACCCTTGT[G>A]GCGGCTTCTGTACAAGACGCGGTCCTTTGGGAAGATTGCAGAGGCAGGAGGTCCAGTTAC-3'
Protein context (NP_063945.2, residues 554-574): YTDRVLYRSR[His564Tyr]KGDICPVSYS